The following is an entry in ClinVar:

NM_002667.5(PLN):c.98T>C (p.Ile33Thr)

Genes: CEP85L (centrosomal protein 85L; minus strand), PLN (phospholamban; plus strand). Cytogenetic location: 6q22.31.
Variant type: single nucleotide variant.
Coding change: c.98T>C on transcript NM_002667.5 (MANE Select); coding-DNA position 98, T replaced by C.
Protein change: p.Ile33Thr; replaces isoleucine 33 with threonine.
Molecular consequence: missense variant. On other transcripts: intron variant (3).
Genome position (GRCh38, 1-based): chr6:118,559,019, T>C. VCF-style: chr6-118559019-T-C. GRCh37 (hg19) VCF-style: chr6-118880182-T-C.
Other names: c.1029+6510A>G (NM_001178035.2); c.1020+6510A>G (NM_001042475.3, NM_206921.3); short protein forms I33T.
Identifiers: ClinVar variation 3633344 (VCV003633344.2).

ClinVar aggregate classification (germline): Uncertain significance (1 of 4 stars; one submission).

Conditions:
Dilated cardiomyopathy 1P (CMD1P). Identifiers: Orphanet 154, MedGen C1835928, MONDO:0012362, OMIM 609909.

Submission:

Labcorp Genetics (formerly Invitae), Labcorp
Classification: Uncertain significance for Dilated cardiomyopathy 1P. Last evaluated: 2025-06-29. Review status: criteria provided, single submitter. Criteria: Invitae Variant Classification Sherloc (09022015). Collection method: clinical testing. Allele origin: germline.
Comment: This sequence change replaces isoleucine, which is neutral and non-polar, with threonine, which is neutral and polar, at codon 33 of the PLN protein (p.Ile33Thr). This variant is not present in population databases (gnomAD no frequency). This variant has not been reported in the literature in individuals affected with PLN-related conditions. ClinVar contains an entry for this variant (Variation ID: 3633344). An algorithm developed to predict the effect of missense changes on protein structure and function outputs the following: PolyPhen-2: "Benign". The threonine amino acid residue is found in multiple mammalian species, which suggests that this missense change does not adversely affect protein function. In summary, the available evidence is currently insufficient to determine the role of this variant in disease. Therefore, it has been classified as a Variant of Uncertain Significance.